The following is an entry in ClinVar:

ClinVar aggregate classification (germline): Likely pathogenic. Review status: criteria provided, multiple submitters, no conflicts (2 of 4 stars). 3 submissions from 3 submitters: Likely pathogenic (2). 1 of the submissions does not count toward it. Last evaluated 2025-03-18.

Conditions:
FGB-related disorder. Also called: FGB-related condition.
Familial dysfibrinogenemia. Also called: Dysfibrinogenemia, congenital. Identifiers: Orphanet 335, Orphanet 98881, MedGen C0272350, MONDO:0014452, OMIM 616004.

Submissions (3):

Mayo Clinic Laboratories, Mayo Clinic
Classification: Likely pathogenic. Last evaluated: 2025-03-18. Review status: criteria provided, single submitter. Criteria: ACMG Guidelines, 2015. Collection method: clinical testing. Allele origin: germline. Observed: 1 variant allele.
Comment: PP1_moderate, PM2_supporting, PM4, PS4

Women's Health and Genetics/Laboratory Corporation of America, LabCorp
Classification: Likely pathogenic for Familial dysfibrinogenemia. Last evaluated: 2023-12-11. Review status: criteria provided, single submitter. Criteria: LabCorp Variant Classification Summary - May 2015. Collection method: clinical testing. Allele origin: germline.
Comment: Variant summary: FGB c.498_512del15 (p.Asn167_Glu171del), also referred to as fibrinogen Epsom, results in an in-frame deletion that is predicted to remove five amino acids from the fibrinogen, alpha/beta/gamma chain, coiled coil domain (IPR012290) of the encoded protein. The variant was absent in 249990 control chromosomes (gnomAD). c.498_512del15 has been reported in the literature in the heterozygous state in individuals affected with Congenital Hypodysfibrinogenemia who exhibited below normal functional fibrinogen levels and prolonged thrombin clotting times (Brennan_2009, Shen_2011). The variant segregated with this phenotype in three affected individuals in a single family who were predominately asymptommatic, but the affected mother of the proband had a considerable history of pregnancy-associated bleeding and miscarriage in the first trimester (Brennan_2009). These data indicate that the variant is likely to be associated with disease. To our knowledge, no experimental evidence demonstrating an impact on protein function has been reported. The following publications have been ascertained in the context of this evaluation (PMID: 19229055, 21959590). No submitters have cited clinical-significance assessments for this variant to ClinVar after 2014. Based on the evidence outlined above, the variant was classified as likely pathogenic.

PreventionGenetics, part of Exact Sciences
Classification: Likely pathogenic for FGB-related condition. Last evaluated: 2024-06-10. Review status: no assertion criteria provided. Collection method: clinical testing. Allele origin: germline. Not counted in ClinVar's aggregate classification.
Comment: The FGB c.498_512del15 variant is predicted to result in an in-frame deletion (p.Asn167_Glu171del). This variant has been reported in the heterozygous state in individuals who presented with pregnancy-associated bleeding or provoked deep venous thrombosis (Brennan et al. 2009. PubMed ID: 19229055; Shen et al. 2011. PubMed ID: 21959590, referred to as fibrinogen Epsom). This variant has not been reported in a large population database, indicating this variant is rare. This variant is interpreted as likely pathogenic.

Literature cited by the submitters: PubMed 19229055 (cited by Mayo Clinic Laboratories, Mayo Clinic and Women's Health and Genetics/Laboratory Corporation of America, LabCorp); PubMed 21959590 (cited by Mayo Clinic Laboratories, Mayo Clinic and Women's Health and Genetics/Laboratory Corporation of America, LabCorp).

NM_005141.5(FGB):c.498_512del (p.Asn167_Glu171del)

Gene: FGB (fibrinogen beta chain; plus strand). Cytogenetic location: 4q31.3.
Variant type: Deletion.
Coding change: c.498_512del on transcript NM_005141.5 (MANE Select); coding-DNA positions 498 to 512, 15 bases deleted (AAATGTAGTCAATGA).
Protein change: p.Asn167_Glu171del.
Molecular consequence: inframe deletion. On other transcripts: inframe indel (1).
Genome position (GRCh38, 1-based): chr4:154,567,600-154,567,614, AAATGTAGTCAATGA deleted; deleting any 15 consecutive bases within chr4:154,567,595-154,567,614 gives the same sequence; the c. name uses the placement nearest the transcript's 3' end. VCF-style (leftmost placement, unchanged base first): chr4-154567594-TAATGAAAATGTAGTC-T. GRCh37 (hg19) VCF-style: chr4-155488746-TAATGAAAATGTAGTC-T.
Other names: p.Asn167_Glu171del; c.498_512del (NM_005141.4); c.498_512del15 (NM_005141.5, NM_005141.4); c.321_335del, p.Asn108_Glu112del (NM_001184741.1); c.366_380del, p.Asn123_Glu127del (NM_001382759.1); c.498_512del, p.Asn167_Glu171del (NM_001382760.1, NM_001382761.1, NM_001382762.1 and 3 more transcripts); c.498_512delAAATGTAGTCAATGA, p.Asn167_Glu171del (NM_005141.4).
Identifiers: ClinVar variation 2691591 (VCV002691591.3), dbSNP rs2530775972, ClinGen allele CA2578217596.